The following is an entry in ClinVar:

ClinVar aggregate classification (germline): Uncertain significance (1 of 4 stars; one submission).

gnomAD v4.1: 2 of 1,613,932 alleles (0.00012%); highest among the groups gnomAD compares: South Asian, 0.0011%; no homozygotes.

Submission:

GeneDx
Classification: Uncertain significance. Last evaluated: 2025-05-16. Review status: criteria provided, single submitter. Criteria: GeneDx Variant Classification Process June 2021. Collection method: clinical testing. Allele origin: germline. Affected: yes.
Comment: Not observed at significant frequency in large population cohorts (gnomAD); In silico analysis supports that this missense variant has a deleterious effect on protein structure/function; Has not been previously published as pathogenic or benign to our knowledge; Does not affect a cysteine or calcium-binding residue within an EGF-like domain or a TGF-binding protein domain of the FBN1 gene; cysteine substitutions in the EGF-like domains represent the majority of pathogenic missense changes associated with FBN1-related disorders (PMID: 12938084)

NM_000138.5(FBN1):c.1493C>T (p.Pro498Leu)

Gene: FBN1 (fibrillin 1; minus strand). Cytogenetic location: 15q21.1.
Variant type: single nucleotide variant.
Coding change: c.1493C>T on transcript NM_000138.5 (MANE Select); coding-DNA position 1493, C replaced by T.
Protein change: p.Pro498Leu; replaces proline 498 with leucine.
Molecular consequence: missense variant.
Genome position (GRCh38, 1-based): chr15:48,513,644, G>A on the plus strand (C>T on the coding strand, the complement: FBN1 is on the minus strand). VCF-style: chr15-48513644-G-A. GRCh37 (hg19) VCF-style: chr15-48805841-G-A.
Other names: c.1493C>T, p.Pro498Leu (NM_001406716.1); short protein forms P498L.
Identifiers: ClinVar variation 4529993 (VCV004529993.1).